The following is an entry in ClinVar:

ClinVar aggregate classification (germline): Pathogenic (1 of 4 stars; one submission).

Conditions:
Neurofibromatosis, type 1 (NF1). Also called: Neurofibromatosis, type I; Peripheral type neurofibromatosis; VON RECKLINGHAUSEN DISEASE; NEUROFIBROMATOSIS, TYPE I, SOMATIC. Identifiers: Orphanet 636, MedGen C0027831, MONDO:0018975, OMIM 162200. Disease mechanism: loss of function.

Submission:

Labcorp Genetics (formerly Invitae), Labcorp
Classification: Pathogenic for Neurofibromatosis, type 1. Last evaluated: 2025-11-10. Review status: criteria provided, single submitter. Criteria: Invitae Variant Classification Sherloc (09022015). Collection method: clinical testing. Allele origin: germline.
Comment: This sequence change replaces aspartic acid, which is acidic and polar, with tyrosine, which is neutral and polar, at codon 1987 of the NF1 protein (p.Asp1987Tyr). This variant is not present in population databases (gnomAD no frequency). This missense change has been observed in individual(s) with clinical features of neurofibromatosis type 1 (internal data). In at least one individual the variant was observed to be de novo. ClinVar contains an entry for this variant (Variation ID: 1513062). Invitae Evidence Modeling of protein sequence and biophysical properties (such as structural, functional, and spatial information, amino acid conservation, physicochemical variation, residue mobility, and thermodynamic stability) indicates that this missense variant is expected to disrupt NF1 protein function with a positive predictive value of 95%. This variant disrupts the p.Asp1987 amino acid residue in NF1. Other variant(s) that disrupt this residue have been determined to be pathogenic (PMID: 30308447). This suggests that this residue is clinically significant, and that variants that disrupt this residue are likely to be disease-causing. For these reasons, this variant has been classified as Pathogenic.

Literature cited by the submitters: PubMed 30308447.

NM_001042492.3(NF1):c.6022G>T (p.Asp2008Tyr)

Gene: NF1 (neurofibromin 1; plus strand). Cytogenetic location: 17q11.2.
Variant type: single nucleotide variant.
Coding change: c.6022G>T on transcript NM_001042492.3 (MANE Select); coding-DNA position 6022, G replaced by T.
Protein change: p.Asp2008Tyr; replaces aspartic acid 2008 with tyrosine.
Molecular consequence: missense variant.
Genome position (GRCh38, 1-based): chr17:31,336,348, G>T. VCF-style: chr17-31336348-G-T. GRCh37 (hg19) VCF-style: chr17-29663366-G-T.
Other names: c.5959G>T, p.Asp1987Tyr (NM_000267.4); short protein forms D2008Y, D1987Y.
Identifiers: ClinVar variation 1513062 (VCV001513062.8), dbSNP rs786201924, ClinGen allele CA399011027.